The following is an entry in ClinVar:

NM_003738.5(PTCH2):c.3106G>A (p.Val1036Met)

Gene: PTCH2 (patched 2; minus strand). Cytogenetic location: 1p34.1.
Variant type: single nucleotide variant.
Coding change: c.3106G>A on transcript NM_003738.5 (MANE Select); coding-DNA position 3106, G replaced by A.
Protein change: p.Val1036Met; replaces valine 1036 with methionine.
Molecular consequence: missense variant.
Genome position (GRCh38, 1-based): chr1:44,826,258, C>T on the plus strand (G>A on the coding strand, the complement: PTCH2 is on the minus strand). VCF-style: chr1-44826258-C-T. GRCh37 (hg19) VCF-style: chr1-45291930-C-T.
Other names: c.3106G>A, p.Val1036Met (NM_001166292.2); c.3106G>A (NM_003738.4); short protein forms V1036M.
Identifiers: ClinVar variation 2050584 (VCV002050584.6), dbSNP rs560010627, ClinGen allele CA822806.

ClinVar aggregate classification (germline): Conflicting classifications of pathogenicity. Review status: criteria provided, conflicting classifications (1 of 4 stars). 2 submissions from 2 submitters: Uncertain significance (1); Likely benign (1). Last evaluated 2025-03-23.

Conditions:
Gorlin syndrome. Also called: Nevoid Basal Cell Carcinoma Syndrome; Basal cell nevus syndrome. Identifiers: Orphanet 377, MedGen C0004779, MONDO:0007187.

Allele frequency attached by ClinVar (database versions not stated): TOPMed 0.00002; ExAC 0.00005; gnomAD 0.00005; 1000 Genomes Project 0.00020; 1000 Genomes Project 30x 0.00031.
gnomAD v4.1: 89 of 1,614,046 alleles (0.0055%); highest among the groups gnomAD compares: Non-Finnish European, 0.007%; no homozygotes.

Submissions (2):

Labcorp Genetics (formerly Invitae), Labcorp
Classification: Uncertain significance for Gorlin syndrome. Last evaluated: 2025-03-23. Review status: criteria provided, single submitter. Criteria: Invitae Variant Classification Sherloc (09022015). Collection method: clinical testing. Allele origin: germline.
Comment: This sequence change replaces valine, which is neutral and non-polar, with methionine, which is neutral and non-polar, at codon 1036 of the PTCH2 protein (p.Val1036Met). This variant is present in population databases (rs560010627, gnomAD 0.006%). This variant has not been reported in the literature in individuals affected with PTCH2-related conditions. ClinVar contains an entry for this variant (Variation ID: 2050584). Invitae Evidence Modeling of protein sequence and biophysical properties (such as structural, functional, and spatial information, amino acid conservation, physicochemical variation, residue mobility, and thermodynamic stability) indicates that this missense variant is not expected to disrupt PTCH2 protein function with a negative predictive value of 80%. In summary, the available evidence is currently insufficient to determine the role of this variant in disease. Therefore, it has been classified as a Variant of Uncertain Significance.

Ambry Genetics
Classification: Likely benign. Last evaluated: 2023-02-16. Review status: criteria provided, single submitter. Criteria: Ambry Variant Classification Scheme 2023. Collection method: clinical testing. Allele origin: germline.